The following is an entry in ClinVar:

NM_014855.3(AP5Z1):c.932-19C>G

Gene: AP5Z1 (adaptor related protein complex 5 subunit zeta 1; plus strand). Cytogenetic location: 7p22.1.
Variant type: single nucleotide variant.
Coding change: c.932-19C>G on transcript NM_014855.3 (MANE Select); 19 bases into the intron before coding-DNA position 932, C replaced by G.
Molecular consequence: intron variant.
Genome position (GRCh38, 1-based): chr7:4,785,396, C>G. VCF-style: chr7-4785396-C-G. GRCh37 (hg19) VCF-style: chr7-4825027-C-G.
Other names: c.464-19C>G (NM_001364858.1).
Identifiers: ClinVar variation 3635048 (VCV003635048.3).

ClinVar aggregate classification (germline): Conflicting classifications of pathogenicity. Review status: criteria provided, conflicting classifications (1 of 4 stars). 2 submissions from 2 submitters: Uncertain significance (1); Likely benign (1). Last evaluated 2025-08-20.

Conditions:
Hereditary spastic paraplegia 48. Also called: SPASTIC PARAPLEGIA 48, AUTOSOMAL RECESSIVE; Spastic paraplegia 48. Identifiers: Orphanet 306511, MedGen C3150901, MONDO:0013342, OMIM 613647.

gnomAD v4.1: 13 of 1,612,224 alleles (0.00081%); highest among the groups gnomAD compares: Admixed American, 0.0017%; no homozygotes.

Submissions (2):

Labcorp Genetics (formerly Invitae), Labcorp
Classification: Uncertain significance for Hereditary spastic paraplegia 48. Last evaluated: 2025-08-20. Review status: criteria provided, single submitter. Criteria: Invitae Variant Classification Sherloc (09022015). Collection method: clinical testing. Allele origin: germline.
Comment: This sequence change falls in intron 7 of the AP5Z1 gene. It does not directly change the encoded amino acid sequence of the AP5Z1 protein. This variant is not present in population databases (gnomAD no frequency). This variant has not been reported in the literature in individuals affected with AP5Z1-related conditions. ClinVar contains an entry for this variant (Variation ID: 3635048). Algorithms developed to predict the effect of sequence changes on RNA splicing suggest that this variant may disrupt the consensus splice site. In summary, the available evidence is currently insufficient to determine the role of this variant in disease. Therefore, it has been classified as a Variant of Uncertain Significance.

Blueprint Genetics
Classification: Likely benign. Last evaluated: 2024-10-30. Review status: criteria provided, single submitter. Criteria: ACMG Guidelines, 2015. Collection method: clinical testing. Allele origin: germline.